The following is an entry in ClinVar:

ClinVar aggregate classification (germline): Uncertain significance (1 of 4 stars; one submission).

Conditions:
Chédiak-Higashi syndrome (CHS). Also called: Chediak-Higashi Syndrome. Identifiers: Orphanet 167, MedGen C0007965, MONDO:0008963, OMIM 214500.

Allele frequency attached by ClinVar (database versions not stated): gnomAD exomes below 0.00001; TOPMed below 0.00001.

Submission:

Labcorp Genetics (formerly Invitae), Labcorp
Classification: Uncertain significance for Chédiak-Higashi syndrome. Last evaluated: 2022-08-08. Review status: criteria provided, single submitter. Criteria: Invitae Variant Classification Sherloc (09022015). Collection method: clinical testing. Allele origin: germline.
Comment: This sequence change replaces alanine, which is neutral and non-polar, with threonine, which is neutral and polar, at codon 313 of the LYST protein (p.Ala313Thr). This variant is present in population databases (no rsID available, gnomAD 0.0009%). This variant has not been reported in the literature in individuals affected with LYST-related conditions. Algorithms developed to predict the effect of missense changes on protein structure and function output the following: SIFT: "Tolerated"; PolyPhen-2: "Benign"; Align-GVGD: "Class C0". The threonine amino acid residue is found in multiple mammalian species, which suggests that this missense change does not adversely affect protein function. In summary, the available evidence is currently insufficient to determine the role of this variant in disease. Therefore, it has been classified as a Variant of Uncertain Significance.

NM_000081.4(LYST):c.937G>A (p.Ala313Thr)

Gene: LYST (lysosomal trafficking regulator; minus strand). Cytogenetic location: 1q42.3.
Variant type: single nucleotide variant.
Coding change: c.937G>A on transcript NM_000081.4 (MANE Select); coding-DNA position 937, G replaced by A.
Protein change: p.Ala313Thr; replaces alanine 313 with threonine.
Molecular consequence: missense variant.
Genome position (GRCh38, 1-based): chr1:235,809,881, C>T on the plus strand (G>A on the coding strand, the complement: LYST is on the minus strand). VCF-style: chr1-235809881-C-T. GRCh37 (hg19) VCF-style: chr1-235973181-C-T.
Other names: c.937G>A, p.Ala313Thr (NM_001301365.1); short protein forms A313T.
Identifiers: ClinVar variation 2198362 (VCV002198362.1), dbSNP rs1007471806, ClinGen allele CA39618034.
Genomic context (GRCh38, chr1:235,809,881, plus strand): 5'-GCAACACTGTTCGAAAGAGCATCCTTTGAATCAAAGCCACCGGTTCTTCGGTCCAACCTG[C>T]AGAAACTACTCGACTCTCCAAGTTGTCGCTCAGACTGCAGCAGTCCCCAAAGCCTGCTAG-3'
Protein context (NP_000072.2, residues 303-323): SDNLESRVVS[Ala313Thr]GWTEEPVALI